The following is an entry in ClinVar:

NM_032188.3(KAT8):c.199G>C (p.Asp67His)

Gene: KAT8 (lysine acetyltransferase 8; plus strand). Cytogenetic location: 16p11.2.
Variant type: single nucleotide variant.
Coding change: c.199G>C on transcript NM_032188.3 (MANE Select); coding-DNA position 199, G replaced by C.
Protein change: p.Asp67His; replaces aspartic acid 67 with histidine.
Molecular consequence: missense variant.
Genome position (GRCh38, 1-based): chr16:31,117,880, G>C. VCF-style: chr16-31117880-G-C. GRCh37 (hg19) VCF-style: chr16-31129201-G-C.
Other names: c.199G>C, p.Asp67His (NM_182958.4); short protein forms D67H.
Identifiers: ClinVar variation 4279785 (VCV004279785.1).

ClinVar aggregate classification (germline): Uncertain significance (1 of 4 stars; one submission).

Conditions:
Li-Ghorbani-Weisz-Hubshman syndrome. Identifiers: MedGen C5436525, MONDO:0033547, OMIM 618974.

Submission:

Clinical Genomics Laboratory, Washington University in St. Louis
Classification: Uncertain significance for Li-Ghorbani-Weisz-Hubshman syndrome. Last evaluated: 2025-05-20. Review status: criteria provided, single submitter. Criteria: ACMG Guidelines, 2015. Collection method: clinical testing. Allele origin: germline.
Comment: The KAT8 c.199G>C (p.Asp67His) variant, to our knowledge, has not been reported in the medical literature and is absent from the general population (gnomAD v.4.1.0), indicating it is not a common variant. This variant occurs in the chromobarrel domain and this codon is conserved across species, but computational predictors are uncertain as to the impact of this variant on KAT8 function. Due to limited information, and based on ACMG/AMP guidelines for variant interpretation (Richards S et al., PMID: 25741868), the clinical significance of this variant is uncertain at this time.